The following is an entry in ClinVar:

ClinVar aggregate classification (germline): Uncertain significance (1 of 4 stars; one submission).

Submission:

Labcorp Genetics (formerly Invitae), Labcorp
Classification: Uncertain significance. Last evaluated: 2025-12-28. Review status: criteria provided, single submitter. Criteria: Invitae Variant Classification Sherloc (09022015). Collection method: clinical testing. Allele origin: germline.
Comment: This sequence change creates a premature translational stop signal (p.Ile144*) in the CCDC141 gene. It is expected to result in an absent or disrupted protein product. However, the current clinical and genetic evidence is not sufficient to establish whether loss-of-function variants in CCDC141 cause disease. This variant is present in population databases (no rsID available, gnomAD 0.009%). This variant has not been reported in the literature in individuals affected with CCDC141-related conditions. ClinVar contains an entry for this variant (Variation ID: 1361026). Algorithms developed to predict the effect of sequence changes on RNA splicing suggest that this variant may disrupt the consensus splice site. In summary, the available evidence is currently insufficient to determine the role of this variant in disease. Therefore, it has been classified as a Variant of Uncertain Significance.

NM_173648.4(CCDC141):c.430del (p.Lys143_Ile144insTer)

Gene: CCDC141 (coiled-coil domain containing 141; minus strand). Cytogenetic location: 2q31.2.
Variant type: Deletion.
Coding change: c.430del on transcript NM_173648.4 (MANE Select); coding-DNA position 430, one base deleted (A; older notation c.430delA).
Protein change: p.Lys143_Ile144insTer.
Molecular consequence: nonsense.
Genome position (GRCh38, 1-based): chr2:178,975,153, T deleted on the plus strand (A on the coding strand, the reverse complement: CCDC141 is on the minus strand); the first of 4 consecutive T bases (chr2:178,975,153-178,975,156); deleting any one gives the same sequence. VCF-style (leftmost placement, unchanged base first): chr2-178975152-AT-A. GRCh37 (hg19) VCF-style: chr2-179839879-AT-A.
Other names: c.430del, p.Lys143_Ile144insTer (NM_001316745.2).
Identifiers: ClinVar variation 1361026 (VCV001361026.6), dbSNP rs1212450100, ClinGen allele CA538189958.